The following is an entry in ClinVar:

ClinVar aggregate classification (germline): Uncertain significance (1 of 4 stars; one submission).

Conditions:
Inborn genetic diseases. Identifiers: MedGen C0950123, MeSH D030342.

gnomAD v4.1: 1 of 1,603,052 alleles (0.000062%); highest among the groups gnomAD compares: East Asian, 0.0023%; no homozygotes.

Submission:

Ambry Genetics
Classification: Uncertain significance for Inborn genetic diseases. Last evaluated: 2024-12-22. Review status: criteria provided, single submitter. Criteria: Ambry Variant Classification Scheme 2023. Collection method: clinical testing. Allele origin: germline.
Comment: The p.K1005N variant (also known as c.3015G>C), located in coding exon 30 of the RTEL1 gene, results from a G to C substitution at nucleotide position 3015. The lysine at codon 1005 is replaced by asparagine, an amino acid with similar properties. This amino acid position is conserved. In addition, the in silico prediction for this alteration is inconclusive. Based on the available evidence, the clinical significance of this variant remains unclear.

NM_001283009.2(RTEL1):c.3015G>C (p.Lys1005Asn)

Genes: RTEL1 (regulator of telomere elongation helicase 1; plus strand), RTEL1-TNFRSF6B (RTEL1-TNFRSF6B readthrough (NMD candidate); plus strand). Cytogenetic location: 20q13.33.
Variant type: single nucleotide variant.
Coding change: c.3015G>C on transcript NM_001283009.2 (MANE Select); coding-DNA position 3015, G replaced by C.
Protein change: p.Lys1005Asn; replaces lysine 1005 with asparagine.
Molecular consequence: missense variant. On other transcripts: non-coding transcript variant (1).
Genome position (GRCh38, 1-based): chr20:63,694,394, G>C. VCF-style: chr20-63694394-G-C. GRCh37 (hg19) VCF-style: chr20-62325747-G-C.
Other names: c.2346G>C, p.Lys782Asn (NM_001283010.1); c.3015G>C, p.Lys1005Asn (NM_016434.4); c.3087G>C, p.Lys1029Asn (NM_032957.5); short protein forms K1029N, K1005N, K782N.
Identifiers: ClinVar variation 3790998 (VCV003790998.1).